The following is an entry in ClinVar:

NM_018130.3(SHQ1):c.1076del (p.Val358_Leu359insTer)

Gene: SHQ1 (SHQ1, H/ACA ribonucleoprotein assembly factor; minus strand). Cytogenetic location: 3p13.
Variant type: Deletion.
Coding change: c.1076del on transcript NM_018130.3 (MANE Select); coding-DNA position 1076, one base deleted (T; older notation c.1076delT).
Protein change: p.Val358_Leu359insTer.
Molecular consequence: nonsense.
Genome position (GRCh38, 1-based): chr3:72,793,021, A deleted on the plus strand (T on the coding strand, the reverse complement: SHQ1 is on the minus strand); the first of 4 consecutive A bases (chr3:72,793,021-72,793,024); deleting any one gives the same sequence. VCF-style (leftmost placement, unchanged base first): chr3-72793020-TA-T. GRCh37 (hg19) VCF-style: chr3-72842171-TA-T.
Other names: c.1076delT (NM_018130.3).
Identifiers: ClinVar variation 3629603 (VCV003629603.1).
Genomic context (GRCh38, chr3:72,793,020, plus strand): 5'-ATTCAGTATGTACGCTGGGTCATTTTCCTGAAAAATTTTGTGAATATCCAGGAGACACTT[TA>T]AAACTGCACTTTTACCTAAAGAAAATTGAAAAAACATAAAATTATCCTTAAGAAAAAGAA-3'

ClinVar aggregate classification (germline): Uncertain significance (1 of 4 stars; one submission).

Submission:

Women's Health and Genetics/Laboratory Corporation of America, LabCorp
Classification: Uncertain significance. Last evaluated: 2024-11-18. Review status: criteria provided, single submitter. Criteria: LabCorp Variant Classification Summary - May 2015. Collection method: clinical testing. Allele origin: germline.
Comment: Variant summary: SHQ1 c.1076delT (p.Leu359X) results in a premature termination codon, predicted to cause a truncation of the encoded protein or absence of the protein due to nonsense mediated decay, however current evidence is not sufficient to establish loss of function as a mechanism for disease. The variant was absent in 245980 control chromosomes. The available data on variant occurrences in the general population are insufficient to allow any conclusion about variant significance. To our knowledge, no occurrence of c.1076delT in individuals affected with SHQ1-Related Disorders and no experimental evidence demonstrating its impact on protein function have been reported. No submitters have cited clinical-significance assessments for this variant to ClinVar. Based on the evidence outlined above, the variant was classified as uncertain significance.